The following is an entry in ClinVar:

NM_025114.4(CEP290):c.2033G>T (p.Ser678Ile)

Gene: CEP290 (centrosomal protein 290; minus strand). Cytogenetic location: 12q21.32.
Variant type: single nucleotide variant.
Coding change: c.2033G>T on transcript NM_025114.4 (MANE Select); coding-DNA position 2033, G replaced by T.
Protein change: p.Ser678Ile; replaces serine 678 with isoleucine.
Molecular consequence: missense variant.
Genome position (GRCh38, 1-based): chr12:88,114,439, C>A on the plus strand (G>T on the coding strand, the complement: CEP290 is on the minus strand). VCF-style: chr12-88114439-C-A. GRCh37 (hg19) VCF-style: chr12-88508216-C-A.
Other names: short protein forms S678I.
Identifiers: ClinVar variation 941679 (VCV000941679.8), dbSNP rs2038915965, ClinGen allele CA385976758.

ClinVar aggregate classification (germline): Uncertain significance. Review status: criteria provided, single submitter (1 of 4 stars). 2 submissions from 2 submitters: Uncertain significance (1). 1 of the submissions does not count toward it. Last evaluated 2022-07-18.

Conditions:
Meckel-Gruber syndrome. Also called: Dysencephalia splachnocystica; DYSENCEPHALIA SPLANCHNOCYSTICA; GRUBER SYNDROME. Identifiers: Orphanet 564, MedGen C0265215, MONDO:0018921.
Nephronophthisis. Also called: Juvenile Nephronophthisis. Identifiers: Orphanet 655, MedGen C0687120, MONDO:0019005, HP:0000090.
Joubert syndrome. Also called: Familial aplasia of the vermis; CEREBELLOPARENCHYMAL DISORDER IV; JOUBERT-BOLTSHAUSER SYNDROME. Identifiers: Orphanet 475, MedGen C5979921, MONDO:0018772.
Leber congenital amaurosis (LCA). Also called: Leber's amaurosis. Identifiers: Orphanet 65, MedGen C0339527, MeSH D057130, MONDO:0018998.

Allele frequency attached by ClinVar (database versions not stated): TOPMed below 0.00001.

Submissions (2):

Labcorp Genetics (formerly Invitae), Labcorp
Classification: Uncertain significance for Joubert syndrome; Meckel-Gruber syndrome; Nephronophthisis. Last evaluated: 2022-07-18. Review status: criteria provided, single submitter. Criteria: Invitae Variant Classification Sherloc (09022015). Collection method: clinical testing. Allele origin: germline.
Comment: This sequence change replaces serine, which is neutral and polar, with isoleucine, which is neutral and non-polar, at codon 678 of the CEP290 protein (p.Ser678Ile). This variant is not present in population databases (gnomAD no frequency). This variant has not been reported in the literature in individuals affected with CEP290-related conditions. ClinVar contains an entry for this variant (Variation ID: 941679). Algorithms developed to predict the effect of missense changes on protein structure and function are either unavailable or do not agree on the potential impact of this missense change (SIFT: "Deleterious"; PolyPhen-2: "Possibly Damaging"; Align-GVGD: "Class C0"). In summary, the available evidence is currently insufficient to determine the role of this variant in disease. Therefore, it has been classified as a Variant of Uncertain Significance.

Natera, Inc.
Classification: Uncertain significance for Leber congenital amaurosis. Last evaluated: 2021-03-29. Review status: no assertion criteria provided. Collection method: clinical testing. Allele origin: germline. Not counted in ClinVar's aggregate classification.